The following is an entry in ClinVar:

NM_001205293.3(CACNA1E):c.2682G>A (p.Pro894=)

Gene: CACNA1E (calcium voltage-gated channel subunit alpha1 E; plus strand). Cytogenetic location: 1q25.3.
Variant type: single nucleotide variant.
Coding change: c.2682G>A on transcript NM_001205293.3 (MANE Select); coding-DNA position 2682, G replaced by A.
Protein change: p.Pro894=; no amino-acid change (proline 894 retained).
Molecular consequence: synonymous variant.
Genome position (GRCh38, 1-based): chr1:181,732,768, G>A. VCF-style: chr1-181732768-G-A. GRCh37 (hg19) VCF-style: chr1-181701904-G-A.
Other names: c.2682G>A (NM_000721.3); c.2682G>A, p.Pro894= (NM_000721.4); c.2625G>A, p.Pro875= (NM_001205294.2).
Identifiers: ClinVar variation 1579380 (VCV001579380.9), dbSNP rs376991322, ClinGen allele CA1275378.

ClinVar aggregate classification (germline): Likely benign. Review status: criteria provided, multiple submitters, no conflicts (2 of 4 stars). 2 submissions from 2 submitters: Likely benign (2). Last evaluated 2025-03-31.

Conditions:
CACNA1E-related disorder. Also called: CACNA1E-related condition.

Allele frequency attached by ClinVar (database versions not stated): gnomAD exomes 0.00002; ExAC 0.00005; gnomAD 0.00005 and 0.00006; ESP Exome Variant Server 0.00016.
gnomAD v4.1: 37 of 1,578,512 alleles (0.0023%); highest among the groups gnomAD compares: African/African-American, 0.0094%; no homozygotes.

Submissions (2):

Labcorp Genetics (formerly Invitae), Labcorp
Classification: Likely benign. Last evaluated: 2025-03-31. Review status: criteria provided, single submitter. Criteria: Invitae Variant Classification Sherloc (09022015). Collection method: clinical testing. Allele origin: germline.

PreventionGenetics, part of Exact Sciences
Classification: Likely benign for CACNA1E-related condition. Last evaluated: 2025-03-13. Review status: criteria provided, single submitter. Criteria: ACMG Guidelines, 2015. Collection method: clinical testing. Allele origin: germline.
Comment: This variant is classified as likely benign based on ACMG/AMP sequence variant interpretation guidelines (Richards et al. 2015 PMID: 25741868, with internal and published modifications).